The following is an entry in ClinVar:

NM_004082.5(DCTN1):c.2976G>T (p.Glu992Asp)

Gene: DCTN1 (dynactin subunit 1; minus strand). Cytogenetic location: 2p13.1.
Variant type: single nucleotide variant.
Coding change: c.2976G>T on transcript NM_004082.5 (MANE Select); coding-DNA position 2976, G replaced by T.
Protein change: p.Glu992Asp; replaces glutamic acid 992 with aspartic acid.
Molecular consequence: missense variant. On other transcripts: non-coding transcript variant (1).
Genome position (GRCh38, 1-based): chr2:74,365,568, C>A on the plus strand (G>T on the coding strand, the complement: DCTN1 is on the minus strand). VCF-style: chr2-74365568-C-A. GRCh37 (hg19) VCF-style: chr2-74592695-C-A.
Other names: c.2574G>T, p.Glu858Asp (NM_023019.4, NM_001135041.3); c.2916G>T, p.Glu972Asp (NM_001135040.3); c.2865G>T, p.Glu955Asp (NM_001190836.2); c.2955G>T, p.Glu985Asp (NM_001190837.2); c.2925G>T, p.Glu975Asp (NM_001378991.1); c.2907G>T, p.Glu969Asp (NM_001378992.1); short protein forms E858D, E955D, E969D, E972D, E975D, E985D, E992D.
Identifiers: ClinVar variation 3756677 (VCV003756677.2).

ClinVar aggregate classification (germline): Uncertain significance (1 of 4 stars; one submission).

Conditions:
Amyotrophic lateral sclerosis type 1 (ALS1). Also called: AMYOTROPHIC LATERAL SCLEROSIS 1, FAMILIAL. Identifiers: Orphanet 803, MedGen C1862939, MONDO:0007103, OMIM 105400.
Neuronopathy, distal hereditary motor, type 7B. Also called: HMN VIIB; LOWER MOTOR NEURON DISEASE, DYNACTIN TYPE; NEURONOPATHY, DISTAL HEREDITARY MOTOR, AUTOSOMAL DOMINANT 14; NEURONOPATHY, DISTAL HEREDITARY MOTOR, HARDING TYPE VIIB; NEUROPATHY, DISTAL HEREDITARY MOTOR, HARDING TYPE VIIB; NEUROPATHY, DISTAL HEREDITARY MOTOR, WITH VOCAL CORD PARALYSIS, HARDING TYPE VIIB. Identifiers: Orphanet 139589, MedGen C1843315, MONDO:0011879, OMIM 607641.
Perry syndrome. Also called: PARKINSONISM WITH ALVEOLAR HYPOVENTILATION AND MENTAL DEPRESSION. Identifiers: Orphanet 178509, MedGen C1868594, MONDO:0008201, OMIM 168605.

Submission:

Labcorp Genetics (formerly Invitae), Labcorp
Classification: Uncertain significance for Amyotrophic lateral sclerosis type 1; Neuronopathy, distal hereditary motor, type 7B; Perry syndrome. Last evaluated: 2024-06-10. Review status: criteria provided, single submitter. Criteria: Invitae Variant Classification Sherloc (09022015). Collection method: clinical testing. Allele origin: germline.
Comment: This sequence change replaces glutamic acid, which is acidic and polar, with aspartic acid, which is acidic and polar, at codon 992 of the DCTN1 protein (p.Glu992Asp). This variant is not present in population databases (gnomAD no frequency). This variant has not been reported in the literature in individuals affected with DCTN1-related conditions. Advanced modeling of protein sequence and biophysical properties (such as structural, functional, and spatial information, amino acid conservation, physicochemical variation, residue mobility, and thermodynamic stability) performed at Invitae indicates that this missense variant is not expected to disrupt DCTN1 protein function with a negative predictive value of 80%. In summary, the available evidence is currently insufficient to determine the role of this variant in disease. Therefore, it has been classified as a Variant of Uncertain Significance.